The following is an entry in ClinVar:

ClinVar aggregate classification (germline): Uncertain significance. Review status: criteria provided, multiple submitters, no conflicts (2 of 4 stars). 2 submissions from 2 submitters: Uncertain significance (2). Last evaluated 2024-04-11.

Conditions:
Congenital disorder of glycosylation, type Iaa. Also called: Congenital disorder of glycosylation, type 1aa. Identifiers: MedGen C4310727, MONDO:0014904, OMIM 617082.

Submissions (2):

GeneDx
Classification: Uncertain significance. Last evaluated: 2024-04-11. Review status: criteria provided, single submitter. Criteria: GeneDx Variant Classification Process June 2021. Collection method: clinical testing. Allele origin: germline. Affected: yes.
Comment: Not observed at significant frequency in large population cohorts (gnomAD); In silico analysis indicates that this missense variant does not alter protein structure/function; Has not been previously published as pathogenic or benign to our knowledge

Labcorp Genetics (formerly Invitae), Labcorp
Classification: Uncertain significance for Congenital disorder of glycosylation, type Iaa. Last evaluated: 2023-02-15. Review status: criteria provided, single submitter. Criteria: Invitae Variant Classification Sherloc (09022015). Collection method: clinical testing. Allele origin: germline.
Comment: This sequence change replaces leucine, which is neutral and non-polar, with phenylalanine, which is neutral and non-polar, at codon 26 of the NUS1 protein (p.Leu26Phe). This variant is present in population databases (no rsID available, gnomAD 0.002%). This variant has not been reported in the literature in individuals affected with NUS1-related conditions. An algorithm developed to predict the effect of missense changes on protein structure and function (PolyPhen-2) suggests that this variant is likely to be tolerated. In summary, the available evidence is currently insufficient to determine the role of this variant in disease. Therefore, it has been classified as a Variant of Uncertain Significance.

NM_138459.5(NUS1):c.76C>T (p.Leu26Phe)

Gene: NUS1 (NUS1 dehydrodolichyl diphosphate synthase subunit; plus strand). Cytogenetic location: 6q22.1.
Variant type: single nucleotide variant.
Coding change: c.76C>T on transcript NM_138459.5 (MANE Select); coding-DNA position 76, C replaced by T.
Protein change: p.Leu26Phe; replaces leucine 26 with phenylalanine.
Molecular consequence: missense variant.
Genome position (GRCh38, 1-based): chr6:117,675,746, C>T. VCF-style: chr6-117675746-C-T. GRCh37 (hg19) VCF-style: chr6-117996909-C-T.
Other names: c.76C>T (NM_138459.3); short protein forms L26F.
Identifiers: ClinVar variation 2985751 (VCV002985751.4), dbSNP rs1188432185, ClinGen allele CA365535844.